The following is an entry in ClinVar:

ClinVar aggregate classification (germline): Uncertain significance (1 of 4 stars; one submission).

Conditions:
Dilated cardiomyopathy 1JJ (CMD1JJ). Identifiers: Orphanet 154, MedGen C3808935, MONDO:0014095, OMIM 615235.

Allele frequency attached by ClinVar (database versions not stated): TOPMed below 0.00001.

Submission:

Labcorp Genetics (formerly Invitae), Labcorp
Classification: Uncertain significance for Dilated cardiomyopathy 1JJ. Last evaluated: 2021-09-04. Review status: criteria provided, single submitter. Criteria: Invitae Variant Classification Sherloc (09022015). Collection method: clinical testing. Allele origin: germline.
Comment: This sequence change replaces aspartic acid with asparagine at codon 1506 of the LAMA4 protein (p.Asp1506Asn). The aspartic acid residue is highly conserved and there is a small physicochemical difference between aspartic acid and asparagine. This variant is not present in population databases (ExAC no frequency). This variant has not been reported in the literature in individuals affected with LAMA4-related conditions. Algorithms developed to predict the effect of missense changes on protein structure and function are either unavailable or do not agree on the potential impact of this missense change (SIFT: "Deleterious"; PolyPhen-2: "Possibly Damaging"; Align-GVGD: "Class C0"). In summary, the available evidence is currently insufficient to determine the role of this variant in disease. Therefore, it has been classified as a Variant of Uncertain Significance.

NM_001105206.3(LAMA4):c.4537G>A (p.Asp1513Asn)

Gene: LAMA4 (laminin subunit alpha 4; minus strand). Cytogenetic location: 6q21.
Variant type: single nucleotide variant.
Coding change: c.4537G>A on transcript NM_001105206.3 (MANE Select); coding-DNA position 4537, G replaced by A.
Protein change: p.Asp1513Asn; replaces aspartic acid 1513 with asparagine.
Molecular consequence: missense variant.
Genome position (GRCh38, 1-based): chr6:112,120,411, C>T on the plus strand (G>A on the coding strand, the complement: LAMA4 is on the minus strand). VCF-style: chr6-112120411-C-T. GRCh37 (hg19) VCF-style: chr6-112441614-C-T.
Other names: c.4516G>A, p.Asp1506Asn (NM_001105207.3, NM_002290.5); short protein forms D1513N, D1506N.
Identifiers: ClinVar variation 1464420 (VCV001464420.6), dbSNP rs1778281437, ClinGen allele CA365369810.
Genomic context (GRCh38, chr6:112,120,411, plus strand): 5'-ACATGTAAACCAAGCGGCCATGGGCCAAAAATAGAGTCATGAAGTCATTCTCTTCTTGAT[C>T]TGAGACATAGAAGATCATGCCATGGGAGGAACGAGTTCTCAGACGAATGGAAAACTGAGA-3'
Protein context (NP_001098676.2, residues 1503-1523): SSHGMIFYVS[Asp1513Asn]QEENDFMTLF